The following is an entry in ClinVar:

ClinVar aggregate classification (germline): Conflicting classifications of pathogenicity. Review status: criteria provided, conflicting classifications (1 of 4 stars). 11 submissions from 11 submitters: Uncertain significance (7); Likely benign (2). 2 of the submissions do not count toward it. Last evaluated 2025-12-19.

Conditions:
BRCA2-related cancer predisposition. Identifiers: MedGen CN377758, MONDO:0700269.
Hereditary cancer-predisposing syndrome. Also called: Neoplastic Syndromes, Hereditary; Hereditary Cancer Syndrome; Hereditary neoplastic syndrome; Tumor predisposition. Identifiers: Orphanet 140162, MedGen C0027672, MeSH D009386, MONDO:0015356.
Hereditary breast ovarian cancer syndrome. Also called: Hereditary breast and ovarian cancer syndrome; Hereditary breast and/or ovarian cancer syndrome; BRCA1- and BRCA2-Associated Hereditary Breast and Ovarian Cancer; Hereditary breast and ovarian cancer; Breast and ovarian cancer; Hereditary breast and ovarian cancer syndrome (HBOC). Identifiers: Orphanet 145, MedGen C0677776, MeSH D061325, MONDO:0003582. Disease mechanism: loss of function.
Breast-ovarian cancer, familial, susceptibility to, 2 (BROVCA2). Also called: BRCA2 Hereditary Breast and Ovarian Cancer. Identifiers: Orphanet 145, MedGen C2675520, MONDO:0012933, OMIM 612555. Disease mechanism: loss of function.

Allele frequency attached by ClinVar (database versions not stated): gnomAD exomes below 0.00001 and 0.00001; TOPMed 0.00001.
gnomAD v4.1: 3 of 1,613,974 alleles (0.00019%); highest among the groups gnomAD compares: Admixed American, 0.005%; no homozygotes.

Submissions (11):

Labcorp Genetics (formerly Invitae), Labcorp
Classification: Uncertain significance for Hereditary breast ovarian cancer syndrome. Last evaluated: 2025-12-19. Review status: criteria provided, single submitter. Criteria: Invitae Variant Classification Sherloc (09022015). Collection method: clinical testing. Allele origin: germline.
Comment: This sequence change replaces asparagine, which is neutral and polar, with isoleucine, which is neutral and non-polar, at codon 1822 of the BRCA2 protein (p.Asn1822Ile). This variant is not present in population databases (gnomAD no frequency). This variant has not been reported in the literature in individuals affected with BRCA2-related conditions. ClinVar contains an entry for this variant (Variation ID: 141212). Invitae Evidence Modeling of protein sequence and biophysical properties (such as structural, functional, and spatial information, amino acid conservation, physicochemical variation, residue mobility, and thermodynamic stability) indicates that this missense variant is not expected to disrupt BRCA2 protein function with a negative predictive value of 95%. In summary, the available evidence is currently insufficient to determine the role of this variant in disease. Therefore, it has been classified as a Variant of Uncertain Significance.

Women's Health and Genetics/Laboratory Corporation of America, LabCorp
Classification: Uncertain significance. Last evaluated: 2025-09-30. Review status: criteria provided, single submitter. Criteria: LabCorp Variant Classification Summary - May 2015. Collection method: clinical testing. Allele origin: germline.
Comment: Variant summary: BRCA2 c.5465A>T (p.Asn1822Ile) results in a non-conservative amino acid change in the encoded protein sequence. Algorithms developed to predict the effect of missense changes on protein structure and function are either unavailable or do not agree on the potential impact of this missense change. The variant allele was found at a frequency of 4e-06 in 251078 control chromosomes. The available data on variant occurrences in the general population are insufficient to allow any conclusion about variant significance. To our knowledge, no occurrence of c.5465A>T in individuals affected with BRCA2-related conditions and no experimental evidence demonstrating its impact on protein function have been reported. ClinVar contains an entry for this variant (Variation ID: 141212). Based on the evidence outlined above, the variant was classified as uncertain significance.

Color Diagnostics, LLC DBA Color Health
Classification: Uncertain significance for Hereditary cancer-predisposing syndrome. Last evaluated: 2025-06-02. Review status: criteria provided, single submitter. Criteria: ACMG Guidelines, 2015. Collection method: clinical testing. Allele origin: germline.
Comment: This missense variant replaces asparagine with isoleucine at codon 1822 of the BRCA2 protein. Computational prediction suggests that this variant may not impact protein structure and function. To our knowledge, functional studies have not been reported for this variant. This variant has been detected in four individuals affected with breast or ovarian cancer (PMID: 37664050). Multifactorial analysis has reported likelihood ratios (LR) based on segregation and personal and family history for one family that reached a combined LR of 0.6492 (PMID: 31131967, 31853058). This variant has been identified in 1/251078 chromosomes in the general population by the Genome Aggregation Database (gnomAD). The available evidence is insufficient to determine the role of this variant in disease conclusively. Therefore, this variant is classified as a Variant of Uncertain Significance.

Quest Diagnostics Nichols Institute San Juan Capistrano
Classification: Uncertain significance. Last evaluated: 2025-02-25. Review status: criteria provided, single submitter. Criteria: Quest Diagnostics criteria. Collection method: clinical testing. Allele origin: unknown.
Comment: The BRCA2 c.5465A>T (p.Asn1822Ile) variant has been reported in the published literature in individuals with breast cancer, triple negative breast cancer, and ovarian cancer (PMID: 37664050 (2023)). This variant has also been reported to be located in a region of the BRCA2 gene that is tolerant to missense sequence changes (PMID: 31911673 (2020)). The frequency of this variant in the general population (Genome Aggregation Database) is uninformative in the assessment of its pathogenicity. Analysis of this variant using bioinformatics tools for the prediction of the effect of amino acid changes on protein structure and function yielded conflicting predictions that this variant is benign or damaging. Based on the available information, we are unable to determine the clinical significance of this variant.

GeneDx
Classification: Uncertain significance. Last evaluated: 2025-02-11. Review status: criteria provided, single submitter. Criteria: GeneDx Variant Classification Process June 2021. Collection method: clinical testing. Allele origin: germline. Affected: yes.
Comment: Observed in individuals with breast or ovarian cancer (PMID: 37664050); In silico analysis supports that this missense variant has a deleterious effect on protein structure/function; Not observed at significant frequency in large population cohorts (gnomAD); Also known as 5693A>T; This variant is associated with the following publications: (PMID: 31131967, 37664050)

All of Us Research Program, National Institutes of Health
Classification: Uncertain significance for BRCA2-related cancer predisposition. Last evaluated: 2024-08-29. Review status: criteria provided, single submitter. Criteria: ACMG Guidelines, 2015. Collection method: clinical testing. Allele origin: germline. Inheritance: Autosomal dominant inheritance. Observed: 2 variant alleles, 2 heterozygotes.
Comment: This missense variant replaces asparagine with isoleucine at codon 1822 of the BRCA2 protein. Computational prediction suggests that this variant may not impact protein structure and function (internally defined REVEL score threshold <= 0.5, PMID: 27666373). To our knowledge, functional studies have not been reported for this variant. This variant has not been reported in individuals affected with hereditary cancer in the literature. This variant has been identified in 1/251078 chromosomes in the general population by the Genome Aggregation Database (gnomAD). The available evidence is insufficient to determine the role of this variant in disease conclusively. Therefore, this variant is classified as a Variant of Uncertain Significance.

This study involves interpretation of variants in research participants for the purpose of population health screening. Participant phenotype was not available at the time of variant classification. Additional details can be found in publication PMID: 35346344, PMCID: PMC8962531

Ambry Genetics
Classification: Uncertain significance for Hereditary cancer-predisposing syndrome. Last evaluated: 2024-07-29. Review status: criteria provided, single submitter. Criteria: Ambry Variant Classification Scheme 2023. Collection method: clinical testing. Allele origin: germline.
Comment: The p.N1822I variant (also known as c.5465A>T), located in coding exon 10 of the BRCA2 gene, results from an A to T substitution at nucleotide position 5465. The asparagine at codon 1822 is replaced by isoleucine, an amino acid with dissimilar properties. This variant was detected in 3/143 with breast cancer and 1/382 with ovarian cancer from Peru (Ferreyra Y et al. Front Oncol, 2023 Aug;13:1227864). This amino acid position is not well conserved in available vertebrate species. In addition, the in silico prediction for this alteration is inconclusive. Based on the available evidence, the clinical significance of this variant remains unclear.

Myriad Genetics, Inc.
Classification: Likely benign for Breast-ovarian cancer, familial, susceptibility to, 2. Last evaluated: 2023-03-31. Review status: criteria provided, single submitter. Criteria: Myriad Autosomal Dominant, Autosomal Recessive and X-Linked Classification Criteria (2023). Collection method: clinical testing. Allele origin: unknown.
Comment: This variant is considered likely benign. This variant is strongly associated with less severe personal and family histories of cancer, typical for individuals without pathogenic variants in this gene [PMID: 25085752].

University of Washington Department of Laboratory Medicine, University of Washington
Classification: Likely benign for Hereditary cancer-predisposing syndrome. Last evaluated: 2023-03-23. Review status: criteria provided, single submitter. Criteria: Dines et al. (Genet Med. 2020). Collection method: curation. Allele origin: germline.
Comment: Missense variant in a coldspot region where missense variants are very unlikely to be pathogenic (PMID:31911673).

BRCA2 exon 11 coldspot. Reclassification based on statistical prior probability.

Department of Medical and Surgical Sciences, University of Bologna
Classification: Likely benign for Breast-ovarian cancer, familial, susceptibility to, 2. Last evaluated: 2023-09-01. Review status: no assertion criteria provided. Collection method: clinical testing. Allele origin: germline. Affected: yes. Not counted in ClinVar's aggregate classification.
Comment: PM2(Supporting)+BP1(Strong) according to ACMG/AMP classification guidelines specified for BRCA1 & BRCA2 (Classification Criteria V1.0.0 2023-09-08) (PMID: 38160042)

Department of Pathology and Laboratory Medicine, Sinai Health System
Classification: Uncertain significance. Review status: no assertion criteria provided. Collection method: clinical testing. Allele origin: unknown. Affected: yes. Study: The Canadian Open Genetics Repository (COGR). Not counted in ClinVar's aggregate classification.
Comment: The p.Asn1822Ile variant has not been previously reported in the literature. The p.Asn1822 residue is not conserved across mammals increasing the likelihood a change to this residue does not have clinical significance. However, computational analyses (PolyPhen, SIFT, AlignGVGD) suggest that the p.Asn1822Ile variant may impact the protein but this information is not predictive enough to assume pathogenicity. In summary, based on the above information, the clinical significance of this variant cannot be determined with certainty at this time. This variant is classified as a variant of unknown significance.

Literature cited by the submitters: PubMed 31131967 (cited by Color Diagnostics, LLC DBA Color Health); PubMed 31853058 (cited by Color Diagnostics, LLC DBA Color Health and Quest Diagnostics Nichols Institute San Juan Capistrano); PubMed 37664050 (cited by 3 submitters); PubMed 31911673 (cited by Quest Diagnostics Nichols Institute San Juan Capistrano); PubMed 25085752 (cited by Myriad Genetics, Inc.).

NM_000059.4(BRCA2):c.5465A>T (p.Asn1822Ile)

Gene: BRCA2 (BRCA2 DNA repair associated; plus strand). Cytogenetic location: 13q13.1.
Variant type: single nucleotide variant.
Coding change: c.5465A>T on transcript NM_000059.4 (MANE Select); coding-DNA position 5465, A replaced by T.
Protein change: p.Asn1822Ile; replaces asparagine 1822 with isoleucine.
Molecular consequence: missense variant.
Genome position (GRCh38, 1-based): chr13:32,339,820, A>T. VCF-style: chr13-32339820-A-T. GRCh37 (hg19) VCF-style: chr13-32913957-A-T.
Other names: short protein forms N1822I.
Identifiers: ClinVar variation 141212 (VCV000141212.27), dbSNP rs587781580, ClinGen allele CA022364.